The following is an entry in ClinVar:

NM_001127208.3(TET2):c.273T>C (p.Asn91=)

Genes: TET2 (tet methylcytosine dioxygenase 2; plus strand), TET2-AS1 (TET2 antisense RNA 1; minus strand). Cytogenetic location: 4q24.
Variant type: single nucleotide variant.
Coding change: c.273T>C on transcript NM_001127208.3 (MANE Select); coding-DNA position 273, T replaced by C.
Protein change: p.Asn91=; no amino-acid change (asparagine 91 retained).
Molecular consequence: synonymous variant.
Genome position (GRCh38, 1-based): chr4:105,234,215, T>C. VCF-style: chr4-105234215-T-C. GRCh37 (hg19) VCF-style: chr4-106155372-T-C.
Other names: c.273T>C, p.Asn91= (NM_017628.4).
Identifiers: ClinVar variation 3049831 (VCV003049831.3), dbSNP rs780091980, ClinGen allele CA3031470.

ClinVar aggregate classification (germline): Likely benign. Review status: criteria provided, single submitter (1 of 4 stars). 2 submissions from 2 submitters: Likely benign (1). 1 of the submissions does not count toward it. Last evaluated 2025-03-08.

Conditions:
TET2-related disorder. Also called: TET2-related condition.

Allele frequency attached by ClinVar (database versions not stated): ExAC 0.00001; gnomAD exomes 0.00001.
gnomAD v4.1: 6 of 1,614,074 alleles (0.00037%); highest among the groups gnomAD compares: Admixed American, 0.0033%; no homozygotes.

Submissions (2):

Ambry Genetics
Classification: Likely benign. Last evaluated: 2025-03-08. Review status: criteria provided, single submitter. Criteria: Ambry Variant Classification Scheme 2023. Collection method: clinical testing. Allele origin: germline.

PreventionGenetics, part of Exact Sciences
Classification: Likely benign for TET2-related condition. Last evaluated: 2021-08-18. Review status: no assertion criteria provided. Collection method: clinical testing. Allele origin: germline. Not counted in ClinVar's aggregate classification.
Comment: This variant is classified as likely benign based on ACMG/AMP sequence variant interpretation guidelines (Richards et al. 2015 PMID: 25741868, with internal and published modifications).